The following is an entry in ClinVar:

ClinVar aggregate classification (germline): Pathogenic/Likely pathogenic. Review status: criteria provided, multiple submitters, no conflicts (2 of 4 stars). 3 submissions from 3 submitters: Pathogenic (2); Likely pathogenic (1). Last evaluated 2025-03-02.

Conditions:
Donnai-Barrow syndrome. Also called: DBS/FOAR SYNDROME; FACIOOCULOACOUSTICORENAL SYNDROME. Identifiers: Orphanet 2143, MedGen C1857277, MONDO:0009104, OMIM 222448.

Allele frequency attached by ClinVar (database versions not stated): ESP Exome Variant Server 0.00008; TOPMed 0.00002.

Submissions (3):

Myriad Genetics, Inc.
Classification: Pathogenic for Donnai-Barrow syndrome. Last evaluated: 2025-03-02. Review status: criteria provided, single submitter. Criteria: Myriad Autosomal Dominant, Autosomal Recessive and X-Linked Classification Criteria (2023). Collection method: clinical testing. Allele origin: unknown.
Comment: NM_004525.2(LRP2):c.11323C>T(R3775*) is expected to be pathogenic in the context of Donnai-Barrow syndrome. This variant is predicted to lead to an abnormal or absent protein product due to the creation of a premature termination codon in LRP2, a gene where loss-of-function variants are known to be pathogenic. Please note: this variant was assessed in the context of healthy population screening.

Fulgent Genetics
Classification: Likely pathogenic for Donnai-Barrow syndrome. Last evaluated: 2024-06-10. Review status: criteria provided, single submitter. Criteria: ACMG Guidelines, 2015. Collection method: clinical testing. Allele origin: germline.

Labcorp Genetics (formerly Invitae), Labcorp
Classification: Pathogenic. Last evaluated: 2022-11-22. Review status: criteria provided, single submitter. Criteria: Invitae Variant Classification Sherloc (09022015). Collection method: clinical testing. Allele origin: germline.
Comment: For these reasons, this variant has been classified as Pathogenic. This sequence change creates a premature translational stop signal (p.Arg3775*) in the LRP2 gene. It is expected to result in an absent or disrupted protein product. Loss-of-function variants in LRP2 are known to be pathogenic (PMID: 17632512, 25682901). This variant is not present in population databases (gnomAD no frequency). This variant has not been reported in the literature in individuals affected with LRP2-related conditions. ClinVar contains an entry for this variant (Variation ID: 1375164).

Literature cited by the submitters: PubMed 17632512 (cited by Labcorp Genetics (formerly Invitae), Labcorp); PubMed 25682901 (cited by Labcorp Genetics (formerly Invitae), Labcorp).

NM_004525.3(LRP2):c.11323C>T (p.Arg3775Ter)

Gene: LRP2 (LDL receptor related protein 2; minus strand). Cytogenetic location: 2q31.1.
Variant type: single nucleotide variant.
Coding change: c.11323C>T on transcript NM_004525.3 (MANE Select); coding-DNA position 11323, C replaced by T.
Protein change: p.Arg3775Ter; replaces arginine 3775 with a stop codon.
Molecular consequence: nonsense.
Genome position (GRCh38, 1-based): chr2:169,170,608, G>A on the plus strand (C>T on the coding strand, the complement: LRP2 is on the minus strand). VCF-style: chr2-169170608-G-A. GRCh37 (hg19) VCF-style: chr2-170027118-G-A.
Other names: short protein forms R3775*.
Identifiers: ClinVar variation 1375164 (VCV001375164.9), dbSNP rs372938477, ClinGen allele CA59908012.
Genomic context (GRCh38, chr2:169,170,608, plus strand): 5'-TACCACAGTCCCGTTCATCTGAGTTGTCCCCACAGTCGTTGTAATGGTCACAGATCCATC[G>A]CGAGGGAATGCACTGCTGATTGACACATCGAAACTCGCTCTCTGTGCACTCCCGGGGAGC-3'